The following is an entry in ClinVar:

ClinVar aggregate classification (germline): Benign/Likely benign. Review status: criteria provided, multiple submitters, no conflicts (2 of 4 stars). 3 submissions from 3 submitters: Benign (1); Likely benign (2). Last evaluated 2026-08-03.

Conditions:
Familial colorectal cancer type X. Identifiers: Orphanet 440437, MedGen C3896578, MONDO:0018604.

gnomAD v4.1: 37 of 1,614,072 alleles (0.0023%); highest among the groups gnomAD compares: Non-Finnish European, 0.0031%; no homozygotes.

Submissions (3):

Myriad Genetics, Inc.
Classification: Benign for Familial colorectal cancer type X. Last evaluated: 2026-08-03. Review status: criteria provided, single submitter. Criteria: Myriad Autosomal Dominant, Autosomal Recessive and X-Linked Classification Criteria (2023). Collection method: clinical testing. Allele origin: unknown.
Comment: This variant is considered benign. This variant is a silent/synonymous amino acid change and it is not expected to impact splicing.

Ambry Genetics
Classification: Likely benign. Last evaluated: 2022-10-11. Review status: criteria provided, single submitter. Criteria: Ambry Variant Classification Scheme 2023. Collection method: clinical testing. Allele origin: germline.

Labcorp Genetics (formerly Invitae), Labcorp
Classification: Likely benign. Last evaluated: 2019-03-14. Review status: criteria provided, single submitter. Criteria: Invitae Variant Classification Sherloc (09022015). Collection method: clinical testing. Allele origin: germline.

NM_001023.4(RPS20):c.144C>T (p.Leu48=)

Gene: RPS20 (ribosomal protein S20; minus strand). Cytogenetic location: 8q12.1.
Variant type: single nucleotide variant.
Coding change: c.144C>T on transcript NM_001023.4 (MANE Select); coding-DNA position 144, C replaced by T.
Protein change: p.Leu48=; no amino-acid change (leucine 48 retained).
Molecular consequence: synonymous variant.
Genome position (GRCh38, 1-based): chr8:56,073,728, G>A on the plus strand (C>T on the coding strand, the complement: RPS20 is on the minus strand). VCF-style: chr8-56073728-G-A. GRCh37 (hg19) VCF-style: chr8-56986287-G-A.
Other names: c.144C>T, p.Leu48= (NM_001146227.3).
Identifiers: ClinVar variation 1138359 (VCV001138359.12), dbSNP rs2129213271, ClinGen allele CA461101597.